The following is an entry in ClinVar:

ClinVar aggregate classification (germline): Uncertain significance. Review status: criteria provided, multiple submitters, no conflicts (2 of 4 stars). 2 submissions from 2 submitters: Uncertain significance (2). Last evaluated 2025-12-04.

Conditions:
Inborn genetic diseases. Identifiers: MedGen C0950123, MeSH D030342.

Allele frequency attached by ClinVar (database versions not stated): gnomAD exomes below 0.00001.
gnomAD v4.1: 4 of 1,461,230 alleles (0.00027%); highest among the groups gnomAD compares: Admixed American, 0.0053%; no homozygotes.

Submissions (2):

Ambry Genetics
Classification: Uncertain significance for Inborn genetic diseases. Last evaluated: 2025-12-04. Review status: criteria provided, single submitter. Criteria: Ambry Variant Classification Scheme 2023. Collection method: clinical testing. Allele origin: germline.

Labcorp Genetics (formerly Invitae), Labcorp
Classification: Uncertain significance. Last evaluated: 2022-03-29. Review status: criteria provided, single submitter. Criteria: Invitae Variant Classification Sherloc (09022015). Collection method: clinical testing. Allele origin: germline.
Comment: In summary, the available evidence is currently insufficient to determine the role of this variant in disease. Therefore, it has been classified as a Variant of Uncertain Significance. Algorithms developed to predict the effect of missense changes on protein structure and function are either unavailable or do not agree on the potential impact of this missense change (SIFT: "Deleterious"; PolyPhen-2: "Possibly Damaging"; Align-GVGD: "Class C15"). This variant has not been reported in the literature in individuals affected with SPEG-related conditions. The frequency data for this variant in the population databases is considered unreliable, as metrics indicate poor data quality at this position in the gnomAD database. This sequence change replaces glycine, which is neutral and non-polar, with arginine, which is basic and polar, at codon 2434 of the SPEG protein (p.Gly2434Arg).

NM_005876.5(SPEG):c.7300G>A (p.Gly2434Arg)

Genes: ASIC4-AS1 (ASIC4 antisense RNA 1; minus strand), SPEG (striated muscle enriched protein kinase; plus strand). Cytogenetic location: 2q35.
Variant type: single nucleotide variant.
Coding change: c.7300G>A on transcript NM_005876.5 (MANE Select); coding-DNA position 7300, G replaced by A.
Protein change: p.Gly2434Arg; replaces glycine 2434 with arginine.
Molecular consequence: missense variant.
Genome position (GRCh38, 1-based): chr2:219,484,763, G>A. VCF-style: chr2-219484763-G-A. GRCh37 (hg19) VCF-style: chr2-220349485-G-A.
Other names: c.7300G>A (NM_005876.4); short protein forms G2434R.
Identifiers: ClinVar variation 2160815 (VCV002160815.5), dbSNP rs1189560889, ClinGen allele CA350701795.